The following is an entry in ClinVar:

NM_001844.5(COL2A1):c.3047G>A (p.Arg1016Lys)

Gene: COL2A1 (collagen type II alpha 1 chain; minus strand). Cytogenetic location: 12q13.11.
Variant type: single nucleotide variant.
Coding change: c.3047G>A on transcript NM_001844.5 (MANE Select); coding-DNA position 3047, G replaced by A.
Protein change: p.Arg1016Lys; replaces arginine 1016 with lysine.
Molecular consequence: missense variant.
Genome position (GRCh38, 1-based): chr12:47,978,074, C>T on the plus strand (G>A on the coding strand, the complement: COL2A1 is on the minus strand). VCF-style: chr12-47978074-C-T. GRCh37 (hg19) VCF-style: chr12-48371857-C-T.
Other names: c.2840G>A, p.Arg947Lys (NM_033150.3); short protein forms R1016K, R947K.
Identifiers: ClinVar variation 308915 (VCV000308915.24), dbSNP rs146046296, ClinGen allele CA6534909.
Genomic context (GRCh38, chr12:47,978,074, plus strand): 5'-CGTCCAGGTTCACCTGCAGGACCCGTCAGGCCAGGAGGACCCACGGGGCCAGGAGGACCT[C>T]TGTCTCCAGATGCTCCAGGAGCACCCTGCTTGCCGGGCTCACCCTGGAGGGACAGAGACA-3'
Protein context (NP_001835.3, residues 1006-1026): KQGAPGASGD[Arg1016Lys]GPPGPVGPPG

ClinVar aggregate classification (germline): Conflicting classifications of pathogenicity. Review status: criteria provided, conflicting classifications (1 of 4 stars). 7 submissions from 6 submitters: Uncertain significance (2); Benign (1); Likely benign (2). 2 of the submissions do not count toward it. Last evaluated 2026-01-30.

Conditions:
Stickler syndrome type 1 (STL1). Also called: COL2A1-Related Stickler Syndrome; ARTHROOPHTHALMOPATHY, HEREDITARY PROGRESSIVE; STICKLER SYNDROME, MEMBRANOUS VITREOUS TYPE; STICKLER SYNDROME, VITREOUS TYPE 1. Identifiers: Orphanet 828, Orphanet 90653, MedGen C2020284, MONDO:0007160, OMIM 108300.
Mendelian syndromes with cleft lip/palate. Also called: Orofacial clefting syndrome. Identifiers: Orphanet 139039, MedGen C5680616, MONDO:0015335.
COL2A1-related disorder. Also called: COL2A1-related condition; COL2A1-related disorders.
Type 2 collagenopathy. Identifiers: Orphanet 93421, MedGen C2931073, MONDO:0022800.

Allele frequency attached by ClinVar (database versions not stated): TOPMed 0.00007; gnomAD 0.00009; gnomAD exomes 0.00012; ExAC 0.00014; ESP Exome Variant Server 0.00015.

Submissions (7):

Labcorp Genetics (formerly Invitae), Labcorp
Classification: Likely benign. Last evaluated: 2026-01-30. Review status: criteria provided, single submitter. Criteria: Invitae Variant Classification Sherloc (09022015). Collection method: clinical testing. Allele origin: germline.

GeneDx
Classification: Uncertain significance. Last evaluated: 2024-12-13. Review status: criteria provided, single submitter. Criteria: GeneDx Variant Classification Process June 2021. Collection method: clinical testing. Allele origin: germline. Affected: yes.
Comment: In silico analysis indicates that this missense variant does not alter protein structure/function; Occurs in the triple helical domain at the Y position in the canonical Gly-X-Y repeat; although this variant may have an effect on normal protein folding and function, missense substitution at the Y position is not a common mechanism of disease (HGMD); This variant is associated with the following publications: (PMID: 26566670, 35903967)

Blueprint Genetics
Classification: Likely benign. Last evaluated: 2024-11-04. Review status: criteria provided, single submitter. Criteria: ACMG Guidelines, 2015. Collection method: clinical testing. Allele origin: germline.

Illumina Laboratory Services, Illumina
Classification: Benign for Type II Collagenopathies. Last evaluated: 2018-01-13. Review status: criteria provided, single submitter. Criteria: ICSL Variant Classification Criteria 13 December 2019. Collection method: clinical testing. Allele origin: germline.
Comment: This variant was observed in the ICSL laboratory as part of a predisposition screen in an ostensibly healthy population. It had not been previously curated by ICSL or reported in the Human Gene Mutation Database (HGMD: prior to June 1st, 2018), and was therefore a candidate for classification through an automated scoring system. Utilizing variant allele frequency, disease prevalence and penetrance estimates, and inheritance mode, an automated score was calculated to assess if this variant is too frequent to cause the disease. Based on the score and internal cut-off values, a variant classified as benign is not then subjected to further curation. The score for this variant resulted in a classification of benign for this disease.

Illumina Laboratory Services, Illumina
Classification: Uncertain significance for Stickler syndrome type 1. Last evaluated: 2018-01-13. Review status: criteria provided, single submitter. Criteria: ICSL Variant Classification Criteria 13 December 2019. Collection method: clinical testing. Allele origin: germline.

PreventionGenetics, part of Exact Sciences
Classification: Likely benign for COL2A1-related condition. Last evaluated: 2020-02-25. Review status: no assertion criteria provided. Collection method: clinical testing. Allele origin: germline. Not counted in ClinVar's aggregate classification.
Comment: This variant is classified as likely benign based on ACMG/AMP sequence variant interpretation guidelines (Richards et al. 2015 PMID: 25741868, with internal and published modifications).

Faculty of Pharmacy, University of Ljubljana
Classification: Uncertain significance for Mendelian syndromes with cleft lip/palate. Review status: no assertion criteria provided. Collection method: research. Allele origin: germline. Inheritance: Autosomal unknown. Affected: yes. Observed: 3 variant alleles, 3 heterozygotes. Clinical features observed: cleft palate. Not counted in ClinVar's aggregate classification.

Literature cited by the submitters: PubMed 36901693 (cited by Faculty of Pharmacy, University of Ljubljana).